The following is an entry in ClinVar:

ClinVar aggregate classification (germline): Uncertain significance (1 of 4 stars; one submission).

Conditions:
Leigh syndrome (NULS). Also called: Leigh's syndrome; LEIGH SYNDROME, NUCLEAR; Leigh's necrotizing encephalopathy; Leigh's disease; Leigh Syndrome (mtDNA deletion); Leigh Disease. Identifiers: Orphanet 506, MedGen C2931891, MONDO:0009723, OMIM 256000.

Allele frequency attached by ClinVar (database versions not stated): gnomAD 0.00001; gnomAD exomes 0.00001 and 0.00002; ExAC 0.00002; TOPMed 0.00002.

Submission:

Labcorp Genetics (formerly Invitae), Labcorp
Classification: Uncertain significance for Leigh syndrome. Last evaluated: 2025-07-14. Review status: criteria provided, single submitter. Criteria: Invitae Variant Classification Sherloc (09022015). Collection method: clinical testing. Allele origin: germline.
Comment: This sequence change replaces arginine, which is basic and polar, with serine, which is neutral and polar, at codon 268 of the SURF1 protein (p.Arg268Ser). This variant is present in population databases (rs781880723, gnomAD 0.003%). This variant has not been reported in the literature in individuals affected with SURF1-related conditions. ClinVar contains an entry for this variant (Variation ID: 854292). Invitae Evidence Modeling of protein sequence and biophysical properties (such as structural, functional, and spatial information, amino acid conservation, physicochemical variation, residue mobility, and thermodynamic stability) has been performed for this missense variant. However, the output from this modeling did not meet the statistical confidence thresholds required to predict the impact of this variant on SURF1 protein function. In summary, the available evidence is currently insufficient to determine the role of this variant in disease. Therefore, it has been classified as a Variant of Uncertain Significance.

NM_003172.4(SURF1):c.804G>C (p.Arg268Ser)

Gene: SURF1 (SURF1 cytochrome c oxidase assembly factor; minus strand). Cytogenetic location: 9q34.2.
Variant type: single nucleotide variant.
Coding change: c.804G>C on transcript NM_003172.4 (MANE Select); coding-DNA position 804, G replaced by C.
Protein change: p.Arg268Ser; replaces arginine 268 with serine.
Molecular consequence: missense variant.
Genome position (GRCh38, 1-based): chr9:133,352,090, C>G on the plus strand (G>C on the coding strand, the complement: SURF1 is on the minus strand). VCF-style: chr9-133352090-C-G. GRCh37 (hg19) VCF-style: chr9-136218945-C-G.
Other names: c.477G>C, p.Arg159Ser (NM_001280787.1); short protein forms R159S, R268S.
Identifiers: ClinVar variation 854292 (VCV000854292.8), dbSNP rs781880723, ClinGen allele CA200832053.